The following is an entry in ClinVar:

ClinVar aggregate classification (germline): Uncertain significance (1 of 4 stars; one submission).

Allele frequency attached by ClinVar (database versions not stated): gnomAD exomes 0.00002; ExAC 0.00003; ESP Exome Variant Server 0.00008.
gnomAD v4.1: 38 of 1,613,926 alleles (0.0024%); highest among the groups gnomAD compares: Non-Finnish European, 0.0031%; no homozygotes.

Submission:

Labcorp Genetics (formerly Invitae), Labcorp
Classification: Uncertain significance. Last evaluated: 2024-10-03. Review status: criteria provided, single submitter. Criteria: Invitae Variant Classification Sherloc (09022015). Collection method: clinical testing. Allele origin: germline.
Comment: This sequence change replaces leucine, which is neutral and non-polar, with methionine, which is neutral and non-polar, at codon 245 of the CETP protein (p.Leu245Met). This variant is present in population databases (rs139570047, gnomAD 0.004%). This variant has not been reported in the literature in individuals affected with CETP-related conditions. ClinVar contains an entry for this variant (Variation ID: 1404817). Invitae Evidence Modeling of protein sequence and biophysical properties (such as structural, functional, and spatial information, amino acid conservation, physicochemical variation, residue mobility, and thermodynamic stability) indicates that this missense variant is not expected to disrupt CETP protein function with a negative predictive value of 80%. In summary, the available evidence is currently insufficient to determine the role of this variant in disease. Therefore, it has been classified as a Variant of Uncertain Significance.

NM_000078.3(CETP):c.733C>A (p.Leu245Met)

Gene: CETP (cholesteryl ester transfer protein; plus strand). Cytogenetic location: 16q13.
Variant type: single nucleotide variant.
Coding change: c.733C>A on transcript NM_000078.3 (MANE Select); coding-DNA position 733, C replaced by A.
Protein change: p.Leu245Met; replaces leucine 245 with methionine.
Molecular consequence: missense variant.
Genome position (GRCh38, 1-based): chr16:56,972,066, C>A. VCF-style: chr16-56972066-C-A. GRCh37 (hg19) VCF-style: chr16-57005978-C-A.
Other names: c.733C>A, p.Leu245Met (NM_001286085.2); short protein forms L245M.
Identifiers: ClinVar variation 1404817 (VCV001404817.6), dbSNP rs139570047, ClinGen allele CA8071066.